The following is an entry in ClinVar:

NM_020822.3(KCNT1):c.3341G>A (p.Arg1114Gln)

Gene: KCNT1 (potassium sodium-activated channel subfamily T member 1; plus strand). Cytogenetic location: 9q34.3.
Variant type: single nucleotide variant.
Coding change: c.3341G>A on transcript NM_020822.3 (MANE Select); coding-DNA position 3341, G replaced by A.
Protein change: p.Arg1114Gln; replaces arginine 1114 with glutamine.
Molecular consequence: missense variant.
Genome position (GRCh38, 1-based): chr9:135,786,360, G>A. VCF-style: chr9-135786360-G-A. GRCh37 (hg19) VCF-style: chr9-138678206-G-A.
Other names: c.3206G>A, p.Arg1069Gln (NM_001272003.2); short protein forms R1114Q, R1069Q.
Identifiers: ClinVar variation 473387 (VCV000473387.10), dbSNP rs758311066, ClinGen allele CA5327785.

ClinVar aggregate classification (germline): Conflicting classifications of pathogenicity. Review status: criteria provided, conflicting classifications (1 of 4 stars). 2 submissions from 2 submitters: Uncertain significance (1); Likely benign (1). Last evaluated 2025-01-14.

Conditions:
Inborn genetic diseases. Identifiers: MedGen C0950123, MeSH D030342.
Autosomal dominant nocturnal frontal lobe epilepsy 5. Also called: Epilepsy, nocturnal frontal lobe, 5; CILIARY DYSKINESIA, PRIMARY, 28, WITHOUT SITUS INVERSUS; CILIARY DYSKINESIA, PRIMARY, 28, WITH SITUS INVERSUS; KCNT1-Related Epilepsy. Identifiers: Orphanet 98784, MedGen C3554306, MONDO:0014002, OMIM 615005.
Developmental and epileptic encephalopathy, 14 (DEE14). Also called: Early infantile epileptic encephalopathy 14. Identifiers: Orphanet 293181, MedGen C3554195, MONDO:0013989, OMIM 614959.

Allele frequency attached by ClinVar (database versions not stated): ExAC 0.00015; gnomAD exomes 0.00003 and 0.00005; TOPMed 0.00004; gnomAD 0.00006 and 0.00007.

Submissions (2):

Labcorp Genetics (formerly Invitae), Labcorp
Classification: Uncertain significance for Autosomal dominant nocturnal frontal lobe epilepsy 5; Developmental and epileptic encephalopathy, 14. Last evaluated: 2025-01-14. Review status: criteria provided, single submitter. Criteria: Invitae Variant Classification Sherloc (09022015). Collection method: clinical testing. Allele origin: germline.
Comment: This sequence change replaces arginine, which is basic and polar, with glutamine, which is neutral and polar, at codon 1114 of the KCNT1 protein (p.Arg1114Gln). This variant is present in population databases (rs758311066, gnomAD 0.02%), and has an allele count higher than expected for a pathogenic variant. This missense change has been observed in individual(s) with clinical features of KCNT1-related conditions (internal data). ClinVar contains an entry for this variant (Variation ID: 473387). Invitae Evidence Modeling of protein sequence and biophysical properties (such as structural, functional, and spatial information, amino acid conservation, physicochemical variation, residue mobility, and thermodynamic stability) indicates that this missense variant is not expected to disrupt KCNT1 protein function with a negative predictive value of 80%. In summary, the available evidence is currently insufficient to determine the role of this variant in disease. Therefore, it has been classified as a Variant of Uncertain Significance.

Ambry Genetics
Classification: Likely benign for Inborn genetic diseases. Last evaluated: 2024-06-28. Review status: criteria provided, single submitter. Criteria: Ambry Variant Classification Scheme 2023. Collection method: clinical testing. Allele origin: germline.